The following is an entry in ClinVar:

NM_020937.4(FANCM):c.2245G>A (p.Val749Ile)

Gene: FANCM (FA complementation group M; plus strand). Cytogenetic location: 14q21.2.
Variant type: single nucleotide variant.
Coding change: c.2245G>A on transcript NM_020937.4 (MANE Select); coding-DNA position 2245, G replaced by A.
Protein change: p.Val749Ile; replaces valine 749 with isoleucine.
Molecular consequence: missense variant.
Genome position (GRCh38, 1-based): chr14:45,173,139, G>A. VCF-style: chr14-45173139-G-A. GRCh37 (hg19) VCF-style: chr14-45642342-G-A.
Other names: c.2167G>A, p.Val723Ile (NM_001308133.2); short protein forms V723I, V749I.
Identifiers: ClinVar variation 5021532 (VCV005021532.1).

ClinVar aggregate classification (germline): Uncertain significance (1 of 4 stars; one submission).

Conditions:
Inborn genetic diseases. Identifiers: MedGen C0950123, MeSH D030342.

gnomAD v4.1: 1 of 1,613,238 alleles (0.000062%); highest among the groups gnomAD compares: Non-Finnish European, 0.000085%; no homozygotes.

Submission:

Ambry Genetics
Classification: Uncertain significance for Inborn genetic diseases. Last evaluated: 2026-08-31. Review status: criteria provided, single submitter. Criteria: Ambry Variant Classification Scheme 2023. Collection method: clinical testing. Allele origin: germline.
Comment: The p.V749I variant (also known as c.2245G>A), located in coding exon 13 of the FANCM gene, results from a G to A substitution at nucleotide position 2245. The valine at codon 749 is replaced by isoleucine, an amino acid with highly similar properties. This amino acid position is conserved. In addition, this alteration is predicted to be tolerated by in silico analysis. Based on the available evidence, the clinical significance of this variant remains unclear.